The following is an entry in ClinVar:

NM_017617.5(NOTCH1):c.4776C>A (p.Phe1592Leu)

Gene: NOTCH1 (notch receptor 1; minus strand). Cytogenetic location: 9q34.3.
Variant type: single nucleotide variant.
Coding change: c.4776C>A on transcript NM_017617.5 (MANE Select); coding-DNA position 4776, C replaced by A.
Protein change: p.Phe1592Leu; replaces phenylalanine 1592 with leucine.
Molecular consequence: missense variant.
Genome position (GRCh38, 1-based): chr9:136,504,915, G>T on the plus strand (C>A on the coding strand, the complement: NOTCH1 is on the minus strand). VCF-style: chr9-136504915-G-T. GRCh37 (hg19) VCF-style: chr9-139399367-G-T.
Other names: short protein forms F1592L.
Identifiers: ClinVar variation 1420615 (VCV001420615.8), dbSNP rs752861485, ClinGen allele CA375645048.

ClinVar aggregate classification (germline): Uncertain significance (1 of 4 stars; one submission).

Conditions:
Adams-Oliver syndrome 5 (AOS5). Identifiers: Orphanet 974, MedGen C4014970, MONDO:0014459, OMIM 616028.

Submission:

Labcorp Genetics (formerly Invitae), Labcorp
Classification: Uncertain significance for Adams-Oliver syndrome 5. Last evaluated: 2021-06-08. Review status: criteria provided, single submitter. Criteria: Invitae Variant Classification Sherloc (09022015). Collection method: clinical testing. Allele origin: germline.
Comment: This sequence change replaces phenylalanine with leucine at codon 1592 of the NOTCH1 protein (p.Phe1592Leu). The phenylalanine residue is highly conserved and there is a small physicochemical difference between phenylalanine and leucine. This variant is not present in population databases (ExAC no frequency). This variant has not been reported in the literature in individuals with NOTCH1-related conditions. Algorithms developed to predict the effect of missense changes on protein structure and function are either unavailable or do not agree on the potential impact of this missense change (SIFT: "Deleterious"; PolyPhen-2: "Probably Damaging"; Align-GVGD: "Class C15"). In summary, the available evidence is currently insufficient to determine the role of this variant in disease. Therefore, it has been classified as a Variant of Uncertain Significance.